The following is an entry in ClinVar:

NM_177924.5(ASAH1):c.626G>A (p.Gly209Asp)

Gene: ASAH1 (N-acylsphingosine amidohydrolase 1; minus strand). Cytogenetic location: 8p22.
Variant type: single nucleotide variant.
Coding change: c.626G>A on transcript NM_177924.5 (MANE Select); coding-DNA position 626, G replaced by A.
Protein change: p.Gly209Asp; replaces glycine 209 with aspartic acid.
Molecular consequence: missense variant.
Genome position (GRCh38, 1-based): chr8:18,062,301, C>T on the plus strand (G>A on the coding strand, the complement: ASAH1 is on the minus strand). VCF-style: chr8-18062301-C-T. GRCh37 (hg19) VCF-style: chr8-17919810-C-T.
Other names: c.608G>A, p.Gly203Asp (NM_001127505.3); c.431G>A, p.Gly144Asp (NM_001363743.2); c.674G>A, p.Gly225Asp (NM_004315.6); short protein forms G203D, G144D, G225D, G209D.
Identifiers: ClinVar variation 812485 (VCV000812485.1), dbSNP rs1588978567, ClinGen allele CA370429876.

ClinVar aggregate classification (germline): Uncertain significance (1 of 4 stars; one submission).

Conditions:
Farber lipogranulomatosis (FRBRL). Also called: AC DEFICIENCY; ACID CERAMIDASE DEFICIENCY; CERAMIDASE DEFICIENCY; N-LAURYLSPHINGOSINE DEACYLASE DEFICIENCY; Farber's lipogranulomatosis; Farber's disease. Identifiers: Orphanet 333, MedGen C0268255, MONDO:0009218, OMIM 228000.

Submission:

Medical Affairs, Dicerna Pharmaceuticals
Classification: Uncertain significance for Farber lipogranulomatosis. Last evaluated: 2019-06-19. Review status: criteria provided, single submitter. Criteria: ACMG Guidelines, 2015. Collection method: literature only. Allele origin: unknown. Inheritance: Autosomal recessive inheritance. Affected: yes. Observed: 1 variant allele.
Comment: Variant c.626G>A described in Ehlert et al., 2017, DOI: 10.1002/jimd.12043 has been classified as uncertain significance. Although this variant is classified as uncertain significance, patients identified with this variant should be examined carely for Farber disease signs and symptoms.

Literature cited by the submitters: DOI 10.1002/jimd.12043.